The following is an entry in ClinVar:

NM_001130987.2(DYSF):c.2865-85C>G

Gene: DYSF (dysferlin; plus strand). Cytogenetic location: 2p13.2.
Variant type: single nucleotide variant.
Coding change: c.2865-85C>G on transcript NM_001130987.2 (MANE Select); 85 bases into the intron before coding-DNA position 2865, C replaced by G.
Molecular consequence: intron variant.
Genome position (GRCh38, 1-based): chr2:71,569,735, C>G. VCF-style: chr2-71569735-C-G. GRCh37 (hg19) VCF-style: chr2-71796865-C-G.
Other names: c.2904-85C>G (NM_001130979.2); c.2862-85C>G (NM_001130981.2, NM_001130980.2); c.2811-85C>G (NM_001130978.2, NM_003494.4); c.2769-85C>G (NM_001130977.2, NM_001130976.2); c.2907-85C>G (NM_001130982.2); c.2865-85C>G (NM_001130985.2); c.2814-85C>G (NM_001130983.2, NM_001130455.2); c.2772-85C>G (NM_001130984.2, NM_001130986.2).
Identifiers: ClinVar variation 679423 (VCV000679423.2), dbSNP rs10205023, ClinGen allele CA49745739.

ClinVar aggregate classification (germline): Benign. Review status: criteria provided, multiple submitters, no conflicts (2 of 4 stars). 2 submissions from 2 submitters: Benign (2). Last evaluated 2018-06-14.

Allele frequency attached by ClinVar (database versions not stated): 1000 Genomes Project 0.70667; 1000 Genomes Project 30x 0.70893; gnomAD 0.76144; TOPMed 0.77495.
gnomAD v4.1: 885,408 of 1,173,464 alleles (75%); highest among the groups gnomAD compares: African/African-American, 83%; 336,511 homozygotes.

Submissions (2):

GeneDx
Classification: Benign. Last evaluated: 2018-06-14. Review status: criteria provided, single submitter. Criteria: GeneDx Variant Classification (06012015). Collection method: clinical testing. Allele origin: germline. Affected: yes.
Comment: This variant is considered likely benign or benign based on one or more of the following criteria: it is a conservative change, it occurs at a poorly conserved position in the protein, it is predicted to be benign by multiple in silico algorithms, and/or has population frequency not consistent with disease.

Breakthrough Genomics
Classification: Benign. Review status: criteria provided, single submitter. Criteria: ACMG Guidelines, 2015. Collection method: not provided. Allele origin: germline. Inheritance: Autosomal recessive inheritance. Affected: yes.